The following is an entry in ClinVar:

ClinVar aggregate classification (germline): Uncertain significance (1 of 4 stars; one submission).

Submission:

GeneDx
Classification: Uncertain significance. Last evaluated: 2026-04-05. Review status: criteria provided, single submitter. Criteria: GeneDx Variant Classification Process June 2021. Collection method: clinical testing. Allele origin: germline.
Comment: Not observed at significant frequency in large population cohorts (gnomAD); Has not been previously published as pathogenic or benign to our knowledge; Canonical splice site variant in a gene for which loss of function is not an established mechanism of disease

NM_005458.8(GABBR2):c.2412+1dup

Gene: GABBR2 (gamma-aminobutyric acid type B receptor subunit 2; minus strand). Cytogenetic location: 9q22.33.
Variant type: Duplication.
Coding change: c.2412+1dup on transcript NM_005458.8 (MANE Select); the canonical splice donor site of the intron after coding-DNA position 2412, one base duplicated (G; older notation c.2412+1dupG).
Molecular consequence: splice donor variant.
Genome position (GRCh38, 1-based): chr9:98,303,240, C duplicated on the plus strand (G on the coding strand, the reverse complement: GABBR2 is on the minus strand); the first of 2 consecutive C bases (chr9:98,303,240-98,303,241); duplicating either gives the same sequence. VCF-style (leftmost placement, unchanged base first): chr9-98303239-A-AC. GRCh37 (hg19) VCF-style: chr9-101065521-A-AC.
Identifiers: ClinVar variation 3362079 (VCV003362079.2).